The following is an entry in ClinVar:

ClinVar aggregate classification (germline): Likely pathogenic (1 of 4 stars; one submission).

Conditions:
Hereditary cancer-predisposing syndrome. Also called: Tumor predisposition; Neoplastic Syndromes, Hereditary; Hereditary neoplastic syndrome; Hereditary Cancer Syndrome. Identifiers: Orphanet 140162, MedGen C0027672, MeSH D009386, MONDO:0015356.

Submission:

Molecular Diagnostics Laboratory, Catalan Institute of Oncology
Classification: Likely pathogenic for Hereditary cancer-predisposing syndrome. Last evaluated: 2025-05-28. Review status: criteria provided, single submitter. Criteria: ACMG Guidelines, 2015. Collection method: clinical testing. Allele origin: germline.
Comment: PVS1, PM2_Supporting c.1061C>A, located in exon 4 of the BARD1 gene, is a nonsense variant expected to result in loss of function by premature protein truncation and nonsense-mediated mRNA decay (PVS1). It is not present in the population database gnomAD v2.1.1, non cancer dataset (PM2_Supporting). The SpliceAI algorithm predicts no significant impact on splicing. To our knowledge, neither relevant clinical data nor well-stablished functional studies have been reported for this variant. Also, the variant has not been reported neither in ClinVar nor in LOVD databases. Based on the currently available information, c.1061C>A is classified as a likely pathogenic variant according to ACMG guidelines.

NM_000465.4(BARD1):c.1061C>A (p.Ser354Ter)

Gene: BARD1 (BRCA1 associated RING domain 1; minus strand). Cytogenetic location: 2q35.
Variant type: single nucleotide variant.
Coding change: c.1061C>A on transcript NM_000465.4 (MANE Select); coding-DNA position 1061, C replaced by A.
Protein change: p.Ser354Ter; replaces serine 354 with a stop codon.
Molecular consequence: nonsense. On other transcripts: non-coding transcript variant (2), intron variant (3).
Genome position (GRCh38, 1-based): chr2:214,780,813, G>T on the plus strand (C>A on the coding strand, the complement: BARD1 is on the minus strand). VCF-style: chr2-214780813-G-T. GRCh37 (hg19) VCF-style: chr2-215645537-G-T.
Other names: c.1004C>A, p.Ser335Ter (NM_001282543.2); c.159-28258C>A (NM_001282548.2); c.215+16248C>A (NM_001282545.2); c.364+11484C>A (NM_001282549.2); short protein forms S335*, S354*.
Identifiers: ClinVar variation 4082307 (VCV004082307.1).